The following is an entry in ClinVar:

NM_003001.5(SDHC):c.460G>T (p.Val154Phe)

Gene: SDHC (succinate dehydrogenase complex subunit C; plus strand). Cytogenetic location: 1q23.3.
Variant type: single nucleotide variant.
Coding change: c.460G>T on transcript NM_003001.5 (MANE Select); coding-DNA position 460, G replaced by T.
Protein change: p.Val154Phe; replaces valine 154 with phenylalanine.
Molecular consequence: missense variant. On other transcripts: non-coding transcript variant (1).
Genome position (GRCh38, 1-based): chr1:161,362,383, G>T. VCF-style: chr1-161362383-G-T. GRCh37 (hg19) VCF-style: chr1-161332173-G-T.
Other names: c.194G>T, p.Gly65Val (NM_001278172.3); c.580G>T, p.Val194Phe (NM_001407115.1); c.403G>T, p.Val135Phe (NM_001407116.1); c.397G>T, p.Val133Phe (NM_001407117.1); c.352G>T, p.Val118Phe (NM_001407118.1); c.349G>T, p.Val117Phe (NM_001407119.1, NM_001407120.1); c.239G>T, p.Gly80Val (NM_001407121.1); c.296G>T, p.Gly99Val (NM_001035511.3); and 2 more; short protein forms G65V, G80V, G99V, V101F, V117F, V118F, V120F, V133F.
Identifiers: ClinVar variation 3385996 (VCV003385996.1).

ClinVar aggregate classification (germline): Uncertain significance (1 of 4 stars; one submission).

Conditions:
Hereditary pheochromocytoma and paraganglioma. Also called: Hereditary Paraganglioma-Pheochromocytoma Syndromes; Hereditary pheochromocytoma-paraganglioma; Hereditary paragangliomas and pheochromocytomas. Identifiers: Orphanet 29072, MedGen C4274332, MONDO:0017366.

Submission:

All of Us Research Program, National Institutes of Health
Classification: Uncertain significance for Hereditary pheochromocytoma and paraganglioma. Last evaluated: 2024-07-29. Review status: criteria provided, single submitter. Criteria: ACMG Guidelines, 2015. Collection method: clinical testing. Allele origin: germline. Inheritance: Autosomal dominant inheritance. Observed: 1 variant allele, 1 heterozygote.
Comment: This missense variant replaces valine with phenylalanine at codon 154 of the SDHC protein. Computational prediction suggests that this variant may not impact protein structure and function (internally defined REVEL score threshold <= 0.5, PMID: 27666373). To our knowledge, functional studies have not been reported for this variant. This variant has not been reported in individuals affected with SDHC-related disorders in the literature. This variant has not been identified in the general population by the Genome Aggregation Database (gnomAD). The available evidence is insufficient to determine the role of this variant in disease conclusively. Therefore, this variant is classified as a Variant of Uncertain Significance.

This study involves interpretation of variants in research participants for the purpose of population health screening. Participant phenotype was not available at the time of variant classification. Additional details can be found in publication PMID: 35346344, PMCID: PMC8962531